The following is an entry in ClinVar:

ClinVar aggregate classification (germline): Uncertain significance (1 of 4 stars; one submission).

Conditions:
Hereditary cancer-predisposing syndrome. Also called: Neoplastic Syndromes, Hereditary; Tumor predisposition; Hereditary Cancer Syndrome; Hereditary neoplastic syndrome. Identifiers: Orphanet 140162, MedGen C0027672, MeSH D009386, MONDO:0015356.

Submission:

Ambry Genetics
Classification: Uncertain significance for Hereditary cancer-predisposing syndrome. Last evaluated: 2021-10-01. Review status: criteria provided, single submitter. Criteria: Ambry Variant Classification Scheme 2023. Collection method: clinical testing. Allele origin: germline.
Comment: The p.S408Y variant (also known as c.1223C>A), located in coding exon 9 of the POLD1 gene, results from a C to A substitution at nucleotide position 1223. The serine at codon 408 is replaced by tyrosine, an amino acid with dissimilar properties. This amino acid position is conserved. In addition, this alteration is predicted to be tolerated by in silico analysis. Since supporting evidence is limited at this time, the clinical significance of this alteration remains unclear.

NM_002691.4(POLD1):c.1223C>A (p.Ser408Tyr)

Gene: POLD1 (DNA polymerase delta 1, catalytic subunit; plus strand). Cytogenetic location: 19q13.33.
Variant type: single nucleotide variant.
Coding change: c.1223C>A on transcript NM_002691.4 (MANE Select); coding-DNA position 1223, C replaced by A.
Protein change: p.Ser408Tyr; replaces serine 408 with tyrosine.
Molecular consequence: missense variant. On other transcripts: non-coding transcript variant (1).
Genome position (GRCh38, 1-based): chr19:50,403,578, C>A. VCF-style: chr19-50403578-C-A. GRCh37 (hg19) VCF-style: chr19-50906835-C-A.
Other names: c.1223C>A, p.Ser408Tyr (NM_001256849.1, NM_001308632.1); short protein forms S408Y.
Identifiers: ClinVar variation 1753607 (VCV001753607.2), dbSNP rs1433696636, ClinGen allele CA406978614.